The following is an entry in ClinVar:

NM_004836.7(EIF2AK3):c.744C>T (p.Val248=)

Gene: EIF2AK3 (eukaryotic translation initiation factor 2 alpha kinase 3; minus strand). Cytogenetic location: 2p11.2.
Variant type: single nucleotide variant.
Coding change: c.744C>T on transcript NM_004836.7 (MANE Select); coding-DNA position 744, C replaced by T.
Protein change: p.Val248=; no amino-acid change (valine 248 retained).
Molecular consequence: synonymous variant.
Genome position (GRCh38, 1-based): chr2:88,593,295, G>A on the plus strand (C>T on the coding strand, the complement: EIF2AK3 is on the minus strand). VCF-style: chr2-88593295-G-A. GRCh37 (hg19) VCF-style: chr2-88892813-G-A.
Other names: c.291C>T, p.Val97= (NM_001313915.2).
Identifiers: ClinVar variation 287371 (VCV000287371.39), dbSNP rs147298435, ClinGen allele CA1754855.

ClinVar aggregate classification (germline): Conflicting classifications of pathogenicity. Review status: criteria provided, conflicting classifications (1 of 4 stars). 4 submissions from 4 submitters: Uncertain significance (1); Likely benign (3). Last evaluated 2025-08-29.

Allele frequency attached by ClinVar (database versions not stated): gnomAD 0.00005; TOPMed 0.00006; 1000 Genomes Project 30x 0.00016; 1000 Genomes Project 0.00020.
gnomAD v4.1: 111 of 1,613,978 alleles (0.0069%); highest among the groups gnomAD compares: Middle Eastern, 0.4%; 2 homozygotes.

Submissions (4):

Labcorp Genetics (formerly Invitae), Labcorp
Classification: Likely benign. Last evaluated: 2025-08-29. Review status: criteria provided, single submitter. Criteria: Invitae Variant Classification Sherloc (09022015). Collection method: clinical testing. Allele origin: germline.

Blueprint Genetics
Classification: Likely benign. Last evaluated: 2024-08-26. Review status: criteria provided, single submitter. Criteria: ACMG Guidelines, 2015. Collection method: clinical testing. Allele origin: germline.

CeGaT Center for Human Genetics Tuebingen
Classification: Likely benign. Last evaluated: 2023-04-01. Review status: criteria provided, single submitter. Criteria: CeGaT Center For Human Genetics Tuebingen Variant Classification Criteria Version 2. Collection method: clinical testing. Allele origin: germline. Affected: yes. Observed: 1 variant allele.
Comment: EIF2AK3: BP4, BP7

Eurofins Ntd Llc (ga)
Classification: Uncertain significance. Last evaluated: 2016-12-13. Review status: criteria provided, single submitter. Criteria: EGL Classification Definitions 2015. Collection method: clinical testing. Allele origin: germline. Observed: 2 variant alleles, 2 heterozygotes.